The following is an entry in ClinVar:

NM_000286.3(PEX12):c.76C>T (p.Gln26Ter)

Gene: PEX12 (peroxisomal biogenesis factor 12; minus strand). Cytogenetic location: 17q12.
Variant type: single nucleotide variant.
Coding change: c.76C>T on transcript NM_000286.3 (MANE Select); coding-DNA position 76, C replaced by T.
Protein change: p.Gln26Ter; replaces glutamine 26 with a stop codon.
Molecular consequence: nonsense.
Genome position (GRCh38, 1-based): chr17:35,577,946, G>A on the plus strand (C>T on the coding strand, the complement: PEX12 is on the minus strand). VCF-style: chr17-35577946-G-A. GRCh37 (hg19) VCF-style: chr17-33904965-G-A.
Other names: short protein forms Q26*.
Identifiers: ClinVar variation 3000680 (VCV003000680.3), dbSNP rs2509171496, ClinGen allele CA399138926.

ClinVar aggregate classification (germline): Pathogenic (1 of 4 stars; one submission).

Conditions:
Peroxisome biogenesis disorder 3A (Zellweger). Also called: PEROXISOMAL BIOGENESIS DISORDER 3A (ZELLWEGER); Peroxisome biogenesis disorder 3A. Identifiers: Orphanet 912, MedGen C3553929, MONDO:0013927, OMIM 614859.

Submission:

Labcorp Genetics (formerly Invitae), Labcorp
Classification: Pathogenic for Peroxisome biogenesis disorder 3A (Zellweger). Last evaluated: 2025-11-25. Review status: criteria provided, single submitter. Criteria: Invitae Variant Classification Sherloc (09022015). Collection method: clinical testing. Allele origin: germline.
Comment: This sequence change creates a premature translational stop signal (p.Gln26*) in the PEX12 gene. It is expected to result in an absent or disrupted protein product. Loss-of-function variants in PEX12 are known to be pathogenic (PMID: 9090384, 9632816, 21031596). This variant is not present in population databases (gnomAD no frequency). This variant has not been reported in the literature in individuals affected with PEX12-related conditions. ClinVar contains an entry for this variant (Variation ID: 3000680). Algorithms developed to predict the effect of sequence changes on RNA splicing suggest that this variant may disrupt the consensus splice site. For these reasons, this variant has been classified as Pathogenic.

Literature cited by the submitters: PubMed 9090384; PubMed 9632816; PubMed 21031596.